The following is an entry in ClinVar:

NM_001085049.3(MRAS):c.208G>C (p.Gly70Arg)

Gene: MRAS (muscle RAS oncogene homolog; plus strand). Cytogenetic location: 3q22.3.
Variant type: single nucleotide variant.
Coding change: c.208G>C on transcript NM_001085049.3 (MANE Select); coding-DNA position 208, G replaced by C.
Protein change: p.Gly70Arg; replaces glycine 70 with arginine.
Molecular consequence: missense variant. On other transcripts: 5 prime UTR variant (3).
Genome position (GRCh38, 1-based): chr3:138,397,338, G>C. VCF-style: chr3-138397338-G-C. GRCh37 (hg19) VCF-style: chr3-138116180-G-C.
Other names: c.208G>C, p.Gly70Arg (NM_001252090.2, NM_012219.4); c.-21G>C (NM_001252091.1, NM_001252092.2, NM_001252093.2); short protein forms G70R.
Identifiers: ClinVar variation 1485774 (VCV001485774.6), dbSNP rs2108561531, ClinGen allele CA354672444.
Genomic context (GRCh38, chr3:138,397,338, plus strand): 5'-ACAGGGTAGGTGAGGACAGCCCCTGAGTGGCCTCATCCCACCCCAGTTCTGGACACAGCT[G>C]GGCAGGAGGAATTCAGCGCCATGCGGGAGCAATACATGCGCACGGGGGATGGCTTCCTCA-3'
Protein context (NP_001078518.1, residues 60-80): WAILDVLDTA[Gly70Arg]QEEFSAMREQ

ClinVar aggregate classification (germline): Uncertain significance (1 of 4 stars; one submission).

Submission:

Labcorp Genetics (formerly Invitae), Labcorp
Classification: Uncertain significance. Last evaluated: 2021-10-31. Review status: criteria provided, single submitter. Criteria: Invitae Variant Classification Sherloc (09022015). Collection method: clinical testing. Allele origin: germline.
Comment: In summary, the available evidence is currently insufficient to determine the role of this variant in disease. Therefore, it has been classified as a Variant of Uncertain Significance. Algorithms developed to predict the effect of missense changes on protein structure and function are either unavailable or do not agree on the potential impact of this missense change (SIFT: "Deleterious"; PolyPhen-2: "Probably Damaging"; Align-GVGD: "Class C15"). This variant has not been reported in the literature in individuals affected with MRAS-related conditions. This variant is not present in population databases (gnomAD no frequency). This sequence change replaces glycine, which is neutral and non-polar, with arginine, which is basic and polar, at codon 70 of the MRAS protein (p.Gly70Arg).